The following is an entry in ClinVar:

ClinVar aggregate classification (germline): Uncertain significance (1 of 4 stars; one submission).

Conditions:
Gastrointestinal stromal tumor. Also called: Gastrointestinal stromal tumor, somatic; Gastrointestinal stroma tumor. Identifiers: Orphanet 44890, MedGen C0238198, MeSH D046152, MONDO:0011719, OMIM 606764, HP:0100723.

Submission:

Labcorp Genetics (formerly Invitae), Labcorp
Classification: Uncertain significance for Gastrointestinal stromal tumor. Last evaluated: 2016-10-27. Review status: criteria provided, single submitter. Criteria: Invitae Variant Classification Sherloc (09022015). Collection method: clinical testing. Allele origin: germline.
Comment: This variant is not present in population databases (ExAC no frequency) and has not been reported in the literature in individuals with a PDGFRA-related disease. In summary, this variant is a novel missense change with uncertain impact on protein function. It has been classified as a Variant of Uncertain Significance. Algorithms developed to predict the effect of missense changes on protein structure and function do not agree on the potential impact of this missense change (SIFT: "Tolerated"; PolyPhen-2: "Probably Damaging"; Align-GVGD: "Class C0"). This sequence change replaces glutamic acid with glutamine at codon 563 of the PDGFRA protein (p.Glu563Gln). The glutamic acid residue is highly conserved and there is a small physicochemical difference between glutamic acid and glutamine.

NM_006206.6(PDGFRA):c.1687G>C (p.Glu563Gln)

Gene: PDGFRA (platelet derived growth factor receptor alpha; plus strand). Cytogenetic location: 4q12.
Variant type: single nucleotide variant.
Coding change: c.1687G>C on transcript NM_006206.6 (MANE Select); coding-DNA position 1687, G replaced by C.
Protein change: p.Glu563Gln; replaces glutamic acid 563 with glutamine.
Molecular consequence: missense variant.
Genome position (GRCh38, 1-based): chr4:54,274,874, G>C. VCF-style: chr4-54274874-G-C. GRCh37 (hg19) VCF-style: chr4-55141041-G-C.
Other names: c.1687G>C, p.Glu563Gln (NM_001347827.2, NM_001347829.2); c.1762G>C, p.Glu588Gln (NM_001347828.2); c.1726G>C, p.Glu576Gln (NM_001347830.2); short protein forms E563Q, E576Q, E588Q.
Identifiers: ClinVar variation 407412 (VCV000407412.9), dbSNP rs1060501510, ClinGen allele CA16611482.